The following is an entry in ClinVar:

ClinVar aggregate classification (germline): Likely benign. Review status: criteria provided, multiple submitters, no conflicts (2 of 4 stars). 2 submissions from 2 submitters: Likely benign (2). Last evaluated 2024-12-09.

Conditions:
Periodic fever-infantile enterocolitis-autoinflammatory syndrome. Also called: Autoinflammation with infantile enterocolitis. Identifiers: Orphanet 436166, MedGen C4015067, MONDO:0014472, OMIM 616050.
Familial cold autoinflammatory syndrome 4 (FCAS4). Identifiers: Orphanet 47045, Orphanet 576349, MedGen C4015276, MONDO:0014498, OMIM 616115.

Allele frequency attached by ClinVar (database versions not stated): gnomAD 0.00003; gnomAD exomes 0.00005; TOPMed 0.00005; ExAC 0.00007; ESP Exome Variant Server 0.00015.

Submissions (2):

Labcorp Genetics (formerly Invitae), Labcorp
Classification: Likely benign for Periodic fever-infantile enterocolitis-autoinflammatory syndrome; Familial cold autoinflammatory syndrome 4. Last evaluated: 2024-12-09. Review status: criteria provided, single submitter. Criteria: Invitae Variant Classification Sherloc (09022015). Collection method: clinical testing. Allele origin: germline.

CeGaT Center for Human Genetics Tuebingen
Classification: Likely benign. Last evaluated: 2022-06-01. Review status: criteria provided, single submitter. Criteria: CeGaT Center For Human Genetics Tuebingen Variant Classification Criteria Version 2. Collection method: clinical testing. Allele origin: germline. Affected: yes. Observed: 1 variant allele.
Comment: NLRC4: BP4, BP7

NM_001199138.2(NLRC4):c.2646C>T (p.Thr882=)

Gene: NLRC4 (NLR family CARD domain containing 4; minus strand). Cytogenetic location: 2p22.3.
Variant type: single nucleotide variant.
Coding change: c.2646C>T on transcript NM_001199138.2 (MANE Select); coding-DNA position 2646, C replaced by T.
Protein change: p.Thr882=; no amino-acid change (threonine 882 retained).
Molecular consequence: synonymous variant.
Genome position (GRCh38, 1-based): chr2:32,235,537, G>A on the plus strand (C>T on the coding strand, the complement: NLRC4 is on the minus strand). VCF-style: chr2-32235537-G-A. GRCh37 (hg19) VCF-style: chr2-32460606-G-A.
Other names: c.2646C>T, p.Thr882= (NM_001199139.2, NM_021209.5); c.651C>T, p.Thr217= (NM_001302504.2).
Identifiers: ClinVar variation 735605 (VCV000735605.31), dbSNP rs147513575, ClinGen allele CA1601735.